The following is an entry in ClinVar:

NM_014413.4(EIF2AK1):c.1740T>G (p.Ser580Arg)

Gene: EIF2AK1 (eukaryotic translation initiation factor 2 alpha kinase 1; minus strand). Cytogenetic location: 7p22.1.
Variant type: single nucleotide variant.
Coding change: c.1740T>G on transcript NM_014413.4 (MANE Select); coding-DNA position 1740, T replaced by G.
Protein change: p.Ser580Arg; replaces serine 580 with arginine.
Molecular consequence: missense variant.
Genome position (GRCh38, 1-based): chr7:6,026,752, A>C on the plus strand (T>G on the coding strand, the complement: EIF2AK1 is on the minus strand). VCF-style: chr7-6026752-A-C. GRCh37 (hg19) VCF-style: chr7-6066383-A-C.
Other names: c.1737T>G, p.Ser579Arg (NM_001134335.2); short protein forms S579R, S580R.
Identifiers: ClinVar variation 3338937 (VCV003338937.3).

ClinVar aggregate classification (germline): Uncertain significance. Review status: criteria provided, multiple submitters, no conflicts (2 of 4 stars). 2 submissions from 2 submitters: Uncertain significance (2). Last evaluated 2024-07-11.

gnomAD v4.1: 2 of 1,614,152 alleles (0.00012%); highest among the groups gnomAD compares: Admixed American, 0.0017%; no homozygotes.

Submissions (2):

Women's Health and Genetics/Laboratory Corporation of America, LabCorp
Classification: Uncertain significance. Last evaluated: 2024-07-11. Review status: criteria provided, single submitter. Criteria: LabCorp Variant Classification Summary - May 2015. Collection method: clinical testing. Allele origin: germline.
Comment: Variant summary: EIF2AK1 c.1740T>G (p.Ser580Arg) results in a non-conservative amino acid change located in the Protein kinase domain (IPR000719) of the encoded protein sequence. Five of five in-silico tools predict a damaging effect of the variant on protein function. The variant allele was found at a frequency of 4e-06 in 251472 control chromosomes. The available data on variant occurrences in the general population are insufficient to allow any conclusion about variant significance. To our knowledge, no occurrence of c.1740T>G in individuals affected with Leukoencephalopathy, Motor Delay, Spasticity, And Dysarthria Syndrome and no experimental evidence demonstrating its impact on protein function have been reported. No submitters have cited clinical-significance assessments for this variant to ClinVar. Based on the evidence outlined above, the variant was classified as uncertain significance.

Labcorp Genetics (formerly Invitae), Labcorp
Classification: Uncertain significance. Last evaluated: 2024-05-10. Review status: criteria provided, single submitter. Criteria: Invitae Variant Classification Sherloc (09022015). Collection method: clinical testing. Allele origin: germline.
Comment: This sequence change replaces serine, which is neutral and polar, with arginine, which is basic and polar, at codon 580 of the EIF2AK1 protein (p.Ser580Arg). This variant is not present in population databases (gnomAD no frequency). This variant has not been reported in the literature in individuals affected with EIF2AK1-related conditions. An algorithm developed to predict the effect of missense changes on protein structure and function (PolyPhen-2) suggests that this variant is likely to be disruptive. In summary, the available evidence is currently insufficient to determine the role of this variant in disease. Therefore, it has been classified as a Variant of Uncertain Significance.